The following is an entry in ClinVar:

ClinVar aggregate classification (germline): Likely benign (0 of 4 stars; one submission).

Conditions:
BBS7-related disorder. Also called: BBS7-related condition.

gnomAD v4.1: 4 of 1,606,392 alleles (0.00025%); highest among the groups gnomAD compares: South Asian, 0.0011%; no homozygotes.

Submission:

PreventionGenetics, part of Exact Sciences
Classification: Likely benign for BBS7-related condition. Last evaluated: 2023-06-16. Review status: no assertion criteria provided. Collection method: clinical testing. Allele origin: germline.
Comment: This variant is classified as likely benign based on ACMG/AMP sequence variant interpretation guidelines (Richards et al. 2015 PMID: 25741868, with internal and published modifications).

NM_176824.3(BBS7):c.1761G>A (p.Arg587=)

Gene: BBS7 (Bardet-Biedl syndrome 7; minus strand). Cytogenetic location: 4q27.
Variant type: single nucleotide variant.
Coding change: c.1761G>A on transcript NM_176824.3 (MANE Select); coding-DNA position 1761, G replaced by A.
Protein change: p.Arg587=; no amino-acid change (arginine 587 retained).
Molecular consequence: synonymous variant.
Genome position (GRCh38, 1-based): chr4:121,828,644, C>T on the plus strand (G>A on the coding strand, the complement: BBS7 is on the minus strand). VCF-style: chr4-121828644-C-T. GRCh37 (hg19) VCF-style: chr4-122749799-C-T.
Other names: c.1761G>A, p.Arg587= (NM_018190.4).
Identifiers: ClinVar variation 3356358 (VCV003356358.1).
Genomic context (GRCh38, chr4:121,828,644, plus strand): 5'-AACATCAGAAAGAATTATTAATTTTGTTTGTTTACCGTATGATATGTTGAGGTTAATTTT[C>T]CTTTTTGTAGCTTCTTTAGAAAGCACATCTTTTAGGATGGAGATAGTAGAAATGTTGTCA-3'
Protein context (NP_789794.1, residues 577-597): KDVLSKEATK[Arg587=]KINLNISYEI